The following is an entry in ClinVar:

ClinVar aggregate classification (germline): Conflicting classifications of pathogenicity. Review status: criteria provided, conflicting classifications (1 of 4 stars). 3 submissions from 3 submitters: Likely pathogenic (1); Uncertain significance (2). Last evaluated 2023-06-11.

Conditions:
Fumarase deficiency (FMRD). Also called: Fumarate Hydratase Deficiency; Fumaric aciduria. Identifiers: Orphanet 24, MedGen C0342770, MONDO:0011730, OMIM 606812.

Allele frequency attached by ClinVar (database versions not stated): TOPMed below 0.00001; gnomAD exomes 0.00001.
gnomAD v4.1: 11 of 1,614,152 alleles (0.00068%); highest among the groups gnomAD compares: Non-Finnish European, 0.00085%; no homozygotes.

Submissions (3):

Labcorp Genetics (formerly Invitae), Labcorp
Classification: Uncertain significance. Last evaluated: 2023-06-11. Review status: criteria provided, single submitter. Criteria: Invitae Variant Classification Sherloc (09022015). Collection method: clinical testing. Allele origin: germline.
Comment: In summary, the available evidence is currently insufficient to determine the role of this variant in disease. Therefore, it has been classified as a Variant of Uncertain Significance. Advanced modeling of protein sequence and biophysical properties (such as structural, functional, and spatial information, amino acid conservation, physicochemical variation, residue mobility, and thermodynamic stability) performed at Invitae indicates that this missense variant is expected to disrupt FH protein function. ClinVar contains an entry for this variant (Variation ID: 864859). This missense change has been observed in individual(s) with clinical features of FH-related conditions (PMID: 33604570). This variant is not present in population databases (gnomAD no frequency). This sequence change replaces asparagine, which is neutral and polar, with serine, which is neutral and polar, at codon 390 of the FH protein (p.Asn390Ser).

GeneDx
Classification: Uncertain significance. Last evaluated: 2022-08-22. Review status: criteria provided, single submitter. Criteria: GeneDx Variant Classification Process June 2021. Collection method: clinical testing. Allele origin: germline. Affected: yes.
Comment: Not observed at significant frequency in large population cohorts (gnomAD); In silico analysis supports that this missense variant has a deleterious effect on protein structure/function; Published functional studies demonstrate: 25% residual FH enzyme activity (Stutterd et al., 2021); This variant is associated with the following publications: (PMID: 33604570)

Bruce Lefroy Centre, Murdoch Childrens Research Institute
Classification: Likely pathogenic for Fumarase deficiency. Last evaluated: 2020-01-01. Review status: criteria provided, single submitter. Criteria: ACMG Guidelines, 2015. Collection method: research. Allele origin: inherited. Inheritance: Autosomal recessive inheritance. Affected: yes. Observed: 3 variant alleles, 2 heterozygotes, 1 homozygote.
Comment: PM2, PM3, PP3, PP4

Literature cited by the submitters: PubMed 33604570 (cited by Labcorp Genetics (formerly Invitae), Labcorp).

NM_000143.4(FH):c.1169A>G (p.Asn390Ser)

Gene: FH (fumarate hydratase; minus strand). Cytogenetic location: 1q43.
Variant type: single nucleotide variant.
Coding change: c.1169A>G on transcript NM_000143.4 (MANE Select); coding-DNA position 1169, A replaced by G.
Protein change: p.Asn390Ser; replaces asparagine 390 with serine.
Molecular consequence: missense variant.
Genome position (GRCh38, 1-based): chr1:241,502,510, T>C on the plus strand (A>G on the coding strand, the complement: FH is on the minus strand). VCF-style: chr1-241502510-T-C. GRCh37 (hg19) VCF-style: chr1-241665810-T-C.
Other names: short protein forms N390S.
Identifiers: ClinVar variation 864859 (VCV000864859.6), dbSNP rs1178007598, ClinGen allele CA345437446.
Genomic context (GRCh38, chr1:241,502,510, plus strand): 5'-GGCTTGAAAACATTCAACTCAAAATGTCCATTGCTGCCTCCGACAGTGACAGCAACATGG[T>C]TCCCCATGACTTGGGCTGCAACCATGGTCATTGCTTCACACTGAGTAGGGTTCACCTTGC-3'
Protein context (NP_000134.2, residues 380-400): MTMVAAQVMG[Asn390Ser]HVAVTVGGSN